The following is an entry in ClinVar:

ClinVar aggregate classification (germline): Uncertain significance. Review status: criteria provided, multiple submitters, no conflicts (2 of 4 stars). 2 submissions from 2 submitters: Uncertain significance (2). Last evaluated 2024-10-26.

Allele frequency attached by ClinVar (database versions not stated): gnomAD 0.00001; gnomAD exomes 0.00001 and 0.00002; TOPMed 0.00001; ExAC 0.00002; ESP Exome Variant Server 0.00008; 1000 Genomes Project 30x 0.00016; 1000 Genomes Project 0.00020.

Submissions (2):

Ambry Genetics
Classification: Uncertain significance. Last evaluated: 2024-10-26. Review status: criteria provided, single submitter. Criteria: Ambry Variant Classification Scheme 2023. Collection method: clinical testing. Allele origin: germline.

Labcorp Genetics (formerly Invitae), Labcorp
Classification: Uncertain significance. Last evaluated: 2021-04-28. Review status: criteria provided, single submitter. Criteria: Invitae Variant Classification Sherloc (09022015). Collection method: clinical testing. Allele origin: germline.
Comment: This variant is present in population databases (rs148010458, ExAC 0.01%). This sequence change replaces arginine with glutamine at codon 140 of the SNIP1 protein (p.Arg140Gln). The arginine residue is highly conserved and there is a small physicochemical difference between arginine and glutamine. In summary, the available evidence is currently insufficient to determine the role of this variant in disease. Therefore, it has been classified as a Variant of Uncertain Significance. Algorithms developed to predict the effect of missense changes on protein structure and function are either unavailable or do not agree on the potential impact of this missense change (SIFT: "Deleterious"; PolyPhen-2: "Benign"; Align-GVGD: "Class C0"). This variant has not been reported in the literature in individuals with SNIP1-related conditions.

NM_024700.4(SNIP1):c.419G>A (p.Arg140Gln)

Genes: SNIP1 (Smad nuclear interacting protein 1; minus strand), LOC126805704 (BRD4-independent group 4 enhancer GRCh37_chr1:38005292-38006491; plus strand). Cytogenetic location: 1p34.3.
Variant type: single nucleotide variant.
Coding change: c.419G>A on transcript NM_024700.4 (MANE Select); coding-DNA position 419, G replaced by A.
Protein change: p.Arg140Gln; replaces arginine 140 with glutamine.
Molecular consequence: missense variant.
Genome position (GRCh38, 1-based): chr1:37,540,664, C>T on the plus strand (G>A on the coding strand, the complement: SNIP1 is on the minus strand). VCF-style: chr1-37540664-C-T. GRCh37 (hg19) VCF-style: chr1-38006265-C-T.
Other names: c.419G>A (NM_024700.2); short protein forms R140Q.
Identifiers: ClinVar variation 1416802 (VCV001416802.9), dbSNP rs148010458, ClinGen allele CA771336.